The following is an entry in ClinVar:

NM_003718.5(CDK13):c.545C>G (p.Ala182Gly)

Gene: CDK13 (cyclin dependent kinase 13; plus strand). Cytogenetic location: 7p14.1.
Variant type: single nucleotide variant.
Coding change: c.545C>G on transcript NM_003718.5 (MANE Select); coding-DNA position 545, C replaced by G.
Protein change: p.Ala182Gly; replaces alanine 182 with glycine.
Molecular consequence: missense variant.
Genome position (GRCh38, 1-based): chr7:39,951,186, C>G. VCF-style: chr7-39951186-C-G. GRCh37 (hg19) VCF-style: chr7-39990785-C-G.
Other names: c.545C>G, p.Ala182Gly (NM_031267.4); short protein forms A182G.
Identifiers: ClinVar variation 3650193 (VCV003650193.2).
Genomic context (GRCh38, chr7:39,951,186, plus strand): 5'-CCAGCGCGGCAACGGCGGCGACGGCTGCCGGGGGAACGGGGGGCAGCGGCGGGAGTCCGG[C>G]CTCCTCCTCCGGCACCCAGCGGCGCGGGGAGGGGTCGGAGCGCAGGCCCCGCCGGGACCG-3'
Protein context (NP_003709.3, residues 172-192): GGTGGSGGSP[Ala182Gly]SSSGTQRRGE

ClinVar aggregate classification (germline): Uncertain significance (1 of 4 stars; one submission).

Submission:

Labcorp Genetics (formerly Invitae), Labcorp
Classification: Uncertain significance. Last evaluated: 2024-04-17. Review status: criteria provided, single submitter. Criteria: Invitae Variant Classification Sherloc (09022015). Collection method: clinical testing. Allele origin: germline.
Comment: This sequence change replaces alanine, which is neutral and non-polar, with glycine, which is neutral and non-polar, at codon 182 of the CDK13 protein (p.Ala182Gly). This variant is not present in population databases (gnomAD no frequency). This variant has not been reported in the literature in individuals affected with CDK13-related conditions. Advanced modeling of protein sequence and biophysical properties (such as structural, functional, and spatial information, amino acid conservation, physicochemical variation, residue mobility, and thermodynamic stability) performed at Invitae indicates that this missense variant is not expected to disrupt CDK13 protein function with a negative predictive value of 95%. In summary, the available evidence is currently insufficient to determine the role of this variant in disease. Therefore, it has been classified as a Variant of Uncertain Significance.